The following is an entry in ClinVar:

ClinVar aggregate classification (germline): Pathogenic/Likely pathogenic. Review status: criteria provided, multiple submitters, no conflicts (2 of 4 stars). 4 submissions from 4 submitters: Pathogenic (2); Likely pathogenic (2). Last evaluated 2024-06-08.

Conditions:
PHARC syndrome. Also called: Polyneuropathy-hearing loss-ataxia-retinitis pigmentosa-cataract syndrome. Identifiers: Orphanet 171848, MedGen C2675204, MONDO:0012984, OMIM 612674.

Allele frequency attached by ClinVar (database versions not stated): ExAC 0.00001; gnomAD 0.00001; gnomAD exomes 0.00001; TOPMed 0.00001.
gnomAD v4.1: 13 of 1,608,556 alleles (0.00081%); highest among the groups gnomAD compares: South Asian, 0.0077%; no homozygotes.

Submissions (4):

Labcorp Genetics (formerly Invitae), Labcorp
Classification: Pathogenic. Last evaluated: 2024-06-08. Review status: criteria provided, single submitter. Criteria: Invitae Variant Classification Sherloc (09022015). Collection method: clinical testing. Allele origin: germline.
Comment: This sequence change creates a premature translational stop signal (p.Arg292*) in the ABHD12 gene. It is expected to result in an absent or disrupted protein product. Loss-of-function variants in ABHD12 are known to be pathogenic (PMID: 20797687). This variant is present in population databases (rs776800006, gnomAD 0.003%). This variant has not been reported in the literature in individuals affected with ABHD12-related conditions. ClinVar contains an entry for this variant (Variation ID: 452247). Algorithms developed to predict the effect of sequence changes on RNA splicing suggest that this variant may disrupt the consensus splice site. For these reasons, this variant has been classified as Pathogenic.

Molecular Genetics, Royal Melbourne Hospital
Classification: Likely pathogenic for PHARC syndrome. Last evaluated: 2023-04-11. Review status: criteria provided, single submitter. Criteria: ACMG Guidelines, 2015. Collection method: clinical testing. Allele origin: germline.
Comment: This sequence change in ABHD12 is a nonsense variant predicted to cause a premature stop codon, p.(Arg292*), in biologically relevant exon 10/13 leading to nonsense-mediated decay in a gene in which loss-of-function is an established disease mechanism. The highest population minor allele frequency in the population database gnomAD v2.1 is 0.003% (1/30,588 alleles) in the South Asian population, consistent with a recessive disease. This variant has been observed with an ABHD12 variant of uncertain significance in an individual with an adult-onset movement disorder (PMID: 34085946). Based on the classification scheme RMH Modified ACMG Guidelines v1.5.1, this variant is classified as LIKELY PATHOGENIC. Following criteria are met: PVS1, PM2_Supporting.

GeneDx
Classification: Pathogenic. Last evaluated: 2017-10-16. Review status: criteria provided, single submitter. Criteria: GeneDx Variant Classification (06012015). Collection method: clinical testing. Allele origin: germline. Affected: yes.
Comment: The R292X nonsense variant has not been published as a pathogenic variant, nor has it been reported as a benign variant to our knowledge. It is predicted to cause loss of normal protein function either through protein truncation or nonsense-mediated mRNA decay. R292X is not observed at a significant frequency in large population cohorts (Lek et al., 2016). In summary, we consider this variant to be pathogenic.

Equipe Genetique des Anomalies du Developpement, Université de Bourgogne
Classification: Likely pathogenic for PHARC syndrome. Last evaluated: 2017-03-22. Review status: criteria provided, single submitter. Criteria: ACMG Guidelines, 2015. Collection method: clinical testing. Allele origin: unknown. Affected: yes.

Literature cited by the submitters: PubMed 20797687 (cited by Labcorp Genetics (formerly Invitae), Labcorp); PubMed 34085946 (cited by Molecular Genetics, Royal Melbourne Hospital).

NM_001042472.3(ABHD12):c.874C>T (p.Arg292Ter)

Gene: ABHD12 (abhydrolase domain containing 12, lysophospholipase; minus strand). Cytogenetic location: 20p11.21.
Variant type: single nucleotide variant.
Coding change: c.874C>T on transcript NM_001042472.3 (MANE Select); coding-DNA position 874, C replaced by T.
Protein change: p.Arg292Ter; replaces arginine 292 with a stop codon.
Molecular consequence: nonsense.
Genome position (GRCh38, 1-based): chr20:25,306,909, G>A on the plus strand (C>T on the coding strand, the complement: ABHD12 is on the minus strand). VCF-style: chr20-25306909-G-A. GRCh37 (hg19) VCF-style: chr20-25287545-G-A.
Other names: c.874C>T, p.Arg292Ter (NM_015600.5); short protein forms R292*.
Identifiers: ClinVar variation 452247 (VCV000452247.5), dbSNP rs776800006, ClinGen allele CA9795948.